The following is an entry in ClinVar:

ClinVar aggregate classification (germline): Uncertain significance (1 of 4 stars; one submission).

Conditions:
X-linked agammaglobulinemia with growth hormone deficiency (IGHD3). Also called: AGAMMAGLOBULINEMIA AND ISOLATED GROWTH HORMONE DEFICIENCY, X-LINKED; ISOLATED GROWTH HORMONE DEFICIENCY, TYPE III, WITH AGAMMAGLOBULINEMIA; Isolated growth hormone deficiency type 3; Growth hormone deficiency with hypogammaglobulinemia; FLEISHER SYNDROME; HYPOGAMMAGLOBULINEMIA AND ISOLATED GROWTH HORMONE DEFICIENCY, X-LINKED. Identifiers: Orphanet 231692, Orphanet 631, MedGen C0472813, MONDO:0010615, OMIM 307200.

gnomAD v4.1: 1 of 1,209,018 alleles (0.000083%); highest among the groups gnomAD compares: Non-Finnish European, 0.00011%; no homozygotes.

Submission:

Labcorp Genetics (formerly Invitae), Labcorp
Classification: Uncertain significance for X-linked agammaglobulinemia with growth hormone deficiency. Last evaluated: 2023-01-20. Review status: criteria provided, single submitter. Criteria: Invitae Variant Classification Sherloc (09022015). Collection method: clinical testing. Allele origin: germline.
Comment: In summary, the available evidence is currently insufficient to determine the role of this variant in disease. Therefore, it has been classified as a Variant of Uncertain Significance. Advanced modeling of protein sequence and biophysical properties (such as structural, functional, and spatial information, amino acid conservation, physicochemical variation, residue mobility, and thermodynamic stability) performed at Invitae indicates that this missense variant is not expected to disrupt BTK protein function. This variant has not been reported in the literature in individuals affected with BTK-related conditions. This variant is not present in population databases (gnomAD no frequency). This sequence change replaces threonine, which is neutral and polar, with serine, which is neutral and polar, at codon 628 of the BTK protein (p.Thr628Ser).

NM_000061.3(BTK):c.1882A>T (p.Thr628Ser)

Gene: BTK (Bruton tyrosine kinase; minus strand). Cytogenetic location: Xq22.1.
Variant type: single nucleotide variant.
Coding change: c.1882A>T on transcript NM_000061.3 (MANE Select); coding-DNA position 1882, A replaced by T.
Protein change: p.Thr628Ser; replaces threonine 628 with serine.
Molecular consequence: missense variant.
Genome position (GRCh38, 1-based): chrX:101,353,220, T>A on the plus strand (A>T on the coding strand, the complement: BTK is on the minus strand). VCF-style: chrX-101353220-T-A. GRCh37 (hg19) VCF-style: chrX-100608208-T-A.
Other names: c.1984A>T, p.Thr662Ser (NM_001287344.2); c.1354A>T, p.Thr452Ser (NM_001287345.2); short protein forms T628S, T662S, T452S.
Identifiers: ClinVar variation 2977518 (VCV002977518.1), dbSNP rs3027646, ClinGen allele CA413918561.